The following is an entry in ClinVar:

ClinVar aggregate classification (germline): Uncertain significance (1 of 4 stars; one submission).

Allele frequency attached by ClinVar (database versions not stated): gnomAD exomes below 0.00001.
gnomAD v4.1: 1 of 1,602,370 alleles (0.000062%); highest among the groups gnomAD compares: East Asian, 0.0022%; no homozygotes.

Submission:

Labcorp Genetics (formerly Invitae), Labcorp
Classification: Uncertain significance. Last evaluated: 2022-08-11. Review status: criteria provided, single submitter. Criteria: Invitae Variant Classification Sherloc (09022015). Collection method: clinical testing. Allele origin: germline.
Comment: This variant has not been reported in the literature in individuals affected with CPLANE1-related conditions. This variant is present in population databases (no rsID available, gnomAD 0.006%). This sequence change falls in intron 35 of the CPLANE1 gene. It does not directly change the encoded amino acid sequence of the CPLANE1 protein. It affects a nucleotide within the consensus splice site. Variants that disrupt the consensus splice site are a relatively common cause of aberrant splicing (PMID: 17576681, 9536098). Algorithms developed to predict the effect of sequence changes on RNA splicing suggest that this variant may create or strengthen a splice site. In summary, the available evidence is currently insufficient to determine the role of this variant in disease. Therefore, it has been classified as a Variant of Uncertain Significance.

Literature cited by the submitters: PubMed 17576681; PubMed 9536098.

NM_001384732.1(CPLANE1):c.7400+2C>T

Gene: CPLANE1 (ciliogenesis and planar polarity effector complex subunit 1; minus strand). Cytogenetic location: 5p13.2.
Variant type: single nucleotide variant.
Coding change: c.7400+2C>T on transcript NM_001384732.1 (MANE Select); the canonical splice donor site of the intron after coding-DNA position 7400, C replaced by T.
Molecular consequence: splice donor variant.
Genome position (GRCh38, 1-based): chr5:37,167,045, G>A on the plus strand (C>T on the coding strand, the complement: CPLANE1 is on the minus strand). VCF-style: chr5-37167045-G-A. GRCh37 (hg19) VCF-style: chr5-37167147-G-A.
Other names: c.7400+2C>T (NM_023073.4).
Identifiers: ClinVar variation 2023547 (VCV002023547.4), dbSNP rs1399695239, ClinGen allele CA359476836.